The following is an entry in ClinVar:

NM_033026.6(PCLO):c.15031A>G (p.Ile5011Val)

Gene: PCLO (piccolo presynaptic cytomatrix protein; minus strand). Cytogenetic location: 7q21.11.
Variant type: single nucleotide variant.
Coding change: c.15031A>G on transcript NM_033026.6 (MANE Select); coding-DNA position 15031, A replaced by G.
Protein change: p.Ile5011Val; replaces isoleucine 5011 with valine.
Molecular consequence: missense variant.
Genome position (GRCh38, 1-based): chr7:82,761,470, T>C on the plus strand (A>G on the coding strand, the complement: PCLO is on the minus strand). VCF-style: chr7-82761470-T-C. GRCh37 (hg19) VCF-style: chr7-82390786-T-C.
Other names: short protein forms I5011V.
Identifiers: ClinVar variation 1463099 (VCV001463099.8), dbSNP rs2129467563, ClinGen allele CA368020346.

ClinVar aggregate classification (germline): Uncertain significance (1 of 4 stars; one submission).

Allele frequency attached by ClinVar (database versions not stated): gnomAD exomes below 0.00001.
gnomAD v4.1: 1 of 1,599,394 alleles (0.000063%); highest among the groups gnomAD compares: Non-Finnish European, 0.000085%; no homozygotes.

Submission:

Labcorp Genetics (formerly Invitae), Labcorp
Classification: Uncertain significance. Last evaluated: 2022-02-05. Review status: criteria provided, single submitter. Criteria: Invitae Variant Classification Sherloc (09022015). Collection method: clinical testing. Allele origin: germline.
Comment: This variant is not present in population databases (gnomAD no frequency). This sequence change replaces isoleucine, which is neutral and non-polar, with valine, which is neutral and non-polar, at codon 5011 of the PCLO protein (p.Ile5011Val). In summary, the available evidence is currently insufficient to determine the role of this variant in disease. Therefore, it has been classified as a Variant of Uncertain Significance. Algorithms developed to predict the effect of missense changes on protein structure and function are either unavailable or do not agree on the potential impact of this missense change (SIFT: "Deleterious"; PolyPhen-2: "Not Available"; Align-GVGD: "Class C0"). This variant has not been reported in the literature in individuals affected with PCLO-related conditions.